The following is an entry in ClinVar:

ClinVar aggregate classification (germline): Uncertain significance (1 of 4 stars; one submission).

Conditions:
Hereditary cancer-predisposing syndrome. Also called: Tumor predisposition; Hereditary Cancer Syndrome; Neoplastic Syndromes, Hereditary; Hereditary neoplastic syndrome. Identifiers: Orphanet 140162, MedGen C0027672, MeSH D009386, MONDO:0015356.

Submission:

Color Diagnostics, LLC DBA Color Health
Classification: Uncertain significance for Hereditary cancer-predisposing syndrome. Last evaluated: 2023-12-05. Review status: criteria provided, single submitter. Criteria: ACMG Guidelines, 2015. Collection method: clinical testing. Allele origin: germline.
Comment: This missense variant replaces alanine with proline at codon 226 of the SMAD4 protein. To our knowledge, functional studies have not been reported for this variant. This variant has not been reported in individuals affected with SMAD4-related disorders in the literature. This variant has not been identified in the general population by the Genome Aggregation Database (gnomAD). The available evidence is insufficient to determine the role of this variant in disease conclusively. Therefore, this variant is classified as a Variant of Uncertain Significance.

NM_005359.6(SMAD4):c.675_676delinsCC

Gene: SMAD4 (SMAD family member 4; plus strand). Cytogenetic location: 18q21.2.
Variant type: Indel.
Coding change: c.675_676delinsCC on transcript NM_005359.6 (MANE Select); coding-DNA positions 675 to 676, TG replaced by CC.
Genome position (GRCh38, 1-based): chr18:51,058,132-51,058,133, TG replaced by CC. VCF-style: chr18-51058132-TG-CC. GRCh37 (hg19) VCF-style: chr18-48584502-TG-CC.
Other names: c.675_676delinsCC, p.Ala226Pro (LRG_318t1).
Identifiers: ClinVar variation 627686 (VCV000627686.5), dbSNP rs1568206030, ClinGen allele CA913188933.